The following is an entry in ClinVar:

NM_016734.3(PAX5):c.1119C>T (p.Ser373=)

Gene: PAX5 (paired box 5; minus strand). Cytogenetic location: 9p13.2.
Variant type: single nucleotide variant.
Coding change: c.1119C>T on transcript NM_016734.3 (MANE Select); coding-DNA position 1119, C replaced by T.
Protein change: p.Ser373=; no amino-acid change (serine 373 retained).
Molecular consequence: synonymous variant. On other transcripts: missense variant (2), non-coding transcript variant (2).
Genome position (GRCh38, 1-based): chr9:36,840,617, G>A on the plus strand (C>T on the coding strand, the complement: PAX5 is on the minus strand). VCF-style: chr9-36840617-G-A. GRCh37 (hg19) VCF-style: chr9-36840614-G-A.
Other names: c.1017C>T, p.Ser339= (NM_001280547.2); c.1032C>T, p.Ser344= (NM_001280548.2); c.887C>T, p.Ala296Val (NM_001280549.2); c.800C>T, p.Ala267Val (NM_001280550.2); c.606C>T, p.Ser202= (NM_001280551.2); c.930C>T, p.Ser310= (NM_001280552.2); c.903C>T, p.Ser301= (NM_001280553.2); c.990C>T, p.Ser330= (NM_001280554.2); and 3 more; short protein forms A267V, A296V.
Identifiers: ClinVar variation 3055435 (VCV003055435.4), dbSNP rs778084883, ClinGen allele CA5058016.
Genomic context (GRCh38, chr9:36,840,617, plus strand): 5'-GGGTCAGTGACGGTCATAGGCAGTGGCGGCTGCAGGTGGGGCGGCTCCTCGGGCGGCAGC[G>A]CTATAATAGTAGGGGGAGCCTGGAAGAGACGGGAGAGAGCACCGAGGTCAGATCCGGGGT-3'
Protein context (NP_057953.1, residues 363-383): PGLLGSPYYY[Ser373=]AAARGAAPPA

ClinVar aggregate classification (germline): Likely benign. Review status: criteria provided, multiple submitters, no conflicts (2 of 4 stars). 3 submissions from 3 submitters: Likely benign (2). 1 of the submissions does not count toward it. Last evaluated 2025-12-16.

Conditions:
PAX5-related disorder. Also called: PAX5-related condition.
Inborn genetic diseases. Identifiers: MedGen C0950123, MeSH D030342.

Allele frequency attached by ClinVar (database versions not stated): gnomAD 0.00001; gnomAD exomes 0.00002; TOPMed 0.00002.
gnomAD v4.1: 37 of 1,576,558 alleles (0.0023%); highest among the groups gnomAD compares: South Asian, 0.026%; no homozygotes.

Submissions (3):

Labcorp Genetics (formerly Invitae), Labcorp
Classification: Likely benign. Last evaluated: 2025-12-16. Review status: criteria provided, single submitter. Criteria: Invitae Variant Classification Sherloc (09022015). Collection method: clinical testing. Allele origin: germline.

Ambry Genetics
Classification: Likely benign for Inborn genetic diseases. Last evaluated: 2024-12-01. Review status: criteria provided, single submitter. Criteria: Ambry Variant Classification Scheme 2023. Collection method: clinical testing. Allele origin: germline.

PreventionGenetics, part of Exact Sciences
Classification: Uncertain significance for PAX5-related condition. Last evaluated: 2023-12-05. Review status: no assertion criteria provided. Collection method: clinical testing. Allele origin: germline. Not counted in ClinVar's aggregate classification.
Comment: The PAX5 c.887C>T variant is predicted to result in the amino acid substitution p.Ala296Val. To our knowledge, this variant has not been reported in the literature. This variant is reported in 0.020% of alleles in individuals of South Asian descent in gnomAD. At this time, the clinical significance of this variant is uncertain due to the absence of conclusive functional and genetic evidence.